The following is an entry in ClinVar:

NM_000718.4(CACNA1B):c.662T>C (p.Val221Ala)

Gene: CACNA1B (calcium voltage-gated channel subunit alpha1 B; plus strand). Cytogenetic location: 9q34.3.
Variant type: single nucleotide variant.
Coding change: c.662T>C on transcript NM_000718.4 (MANE Select); coding-DNA position 662, T replaced by C.
Protein change: p.Val221Ala; replaces valine 221 with alanine.
Molecular consequence: missense variant.
Genome position (GRCh38, 1-based): chr9:137,914,693, T>C. VCF-style: chr9-137914693-T-C. GRCh37 (hg19) VCF-style: chr9-140809145-T-C.
Other names: c.662T>C, p.Val221Ala (NM_001243812.2); short protein forms V221A.
Identifiers: ClinVar variation 2198470 (VCV002198470.2), dbSNP rs779795778, ClinGen allele CA5375938.

ClinVar aggregate classification (germline): Uncertain significance (1 of 4 stars; one submission).

Allele frequency attached by ClinVar (database versions not stated): ExAC 0.00001; gnomAD exomes 0.00001; TOPMed 0.00001; gnomAD 0.00002.
gnomAD v4.1: 11 of 1,614,002 alleles (0.00068%); highest among the groups gnomAD compares: Admixed American, 0.018%; no homozygotes.

Submission:

Labcorp Genetics (formerly Invitae), Labcorp
Classification: Uncertain significance. Last evaluated: 2023-12-11. Review status: criteria provided, single submitter. Criteria: Invitae Variant Classification Sherloc (09022015). Collection method: clinical testing. Allele origin: germline.
Comment: This sequence change replaces valine, which is neutral and non-polar, with alanine, which is neutral and non-polar, at codon 221 of the CACNA1B protein (p.Val221Ala). This variant is present in population databases (rs779795778, gnomAD 0.02%). This variant has not been reported in the literature in individuals affected with CACNA1B-related conditions. ClinVar contains an entry for this variant (Variation ID: 2198470). Advanced modeling of protein sequence and biophysical properties (such as structural, functional, and spatial information, amino acid conservation, physicochemical variation, residue mobility, and thermodynamic stability) performed at Invitae indicates that this missense variant is not expected to disrupt CACNA1B protein function with a negative predictive value of 95%. In summary, the available evidence is currently insufficient to determine the role of this variant in disease. Therefore, it has been classified as a Variant of Uncertain Significance.